The following is an entry in ClinVar:

NM_004656.4(BAP1):c.1891-5G>C

Gene: BAP1 (BRCA1 associated deubiquitinase 1; minus strand). Cytogenetic location: 3p21.1.
Variant type: single nucleotide variant.
Coding change: c.1891-5G>C on transcript NM_004656.4 (MANE Select); 5 bases into the intron before coding-DNA position 1891, G replaced by C.
Molecular consequence: intron variant.
Genome position (GRCh38, 1-based): chr3:52,402,876, C>G on the plus strand (G>C on the coding strand, the complement: BAP1 is on the minus strand). VCF-style: chr3-52402876-C-G. GRCh37 (hg19) VCF-style: chr3-52436892-C-G.
Other names: c.1837-5G>C (NM_001410772.1).
Identifiers: ClinVar variation 2774740 (VCV002774740.2), dbSNP rs2471323012, ClinGen allele CA353097054.

ClinVar aggregate classification (germline): Uncertain significance (1 of 4 stars; one submission).

Conditions:
Hereditary cancer-predisposing syndrome. Also called: Neoplastic Syndromes, Hereditary; Tumor predisposition; Hereditary Cancer Syndrome; Hereditary neoplastic syndrome. Identifiers: Orphanet 140162, MedGen C0027672, MeSH D009386, MONDO:0015356.

Allele frequency attached by ClinVar (database versions not stated): gnomAD exomes below 0.00001.
gnomAD v4.1: 1 of 1,614,132 alleles (0.000062%); highest among the groups gnomAD compares: South Asian, 0.0011%; no homozygotes.

Submission:

Color Diagnostics, LLC DBA Color Health
Classification: Uncertain significance for Hereditary cancer-predisposing syndrome. Last evaluated: 2021-09-19. Review status: criteria provided, single submitter. Criteria: ACMG Guidelines, 2015. Collection method: clinical testing. Allele origin: germline.
Comment: This variant causes a G to C nucleotide substitution at the -5 position of intron 14 of the BAP1 gene. To our knowledge, RNA studies have not been reported for this variant. This variant has not been reported in individuals affected with hereditary cancer in the literature. This variant has not been identified in the general population by the Genome Aggregation Database (gnomAD). The available evidence is insufficient to determine the role of this variant in disease conclusively. Therefore, this variant is classified as a Variant of Uncertain Significance.